The following is an entry in ClinVar:

ClinVar aggregate classification (germline): Uncertain significance. Review status: criteria provided, multiple submitters, no conflicts (2 of 4 stars). 4 submissions from 4 submitters: Uncertain significance (4). Last evaluated 2023-01-09.

Conditions:
Autosomal recessive limb-girdle muscular dystrophy type 2A (LGMDR1). Also called: LEYDEN-MOEBIUS MUSCULAR DYSTROPHY; MUSCULAR DYSTROPHY, PELVOFEMORAL; Limb-girdle muscular dystrophy, type 2A; Calpainopathy; Muscular dystrophy, limb-girdle, type 2A, Amish. Identifiers: Orphanet 267, MedGen C1869123, MONDO:0009675, OMIM 253600. Disease mechanism: loss of function.

Allele frequency attached by ClinVar (database versions not stated): gnomAD exomes below 0.00001.
gnomAD v4.1: 1 of 1,613,396 alleles (0.000062%); highest among the groups gnomAD compares: Non-Finnish European, 0.000085%; no homozygotes.

Submissions (4):

GeneDx
Classification: Uncertain significance. Last evaluated: 2023-01-09. Review status: criteria provided, single submitter. Criteria: GeneDx Variant Classification Process June 2021. Collection method: clinical testing. Allele origin: germline. Affected: yes.
Comment: Not observed at significant frequency in large population cohorts (gnomAD); In silico analysis supports that this missense variant has a deleterious effect on protein structure/function; Has not been previously published as pathogenic or benign to our knowledge

Labcorp Genetics (formerly Invitae), Labcorp
Classification: Uncertain significance for Autosomal recessive limb-girdle muscular dystrophy type 2A. Last evaluated: 2021-08-30. Review status: criteria provided, single submitter. Criteria: Invitae Variant Classification Sherloc (09022015). Collection method: clinical testing. Allele origin: germline.
Comment: This sequence change replaces leucine with proline at codon 132 of the CAPN3 protein (p.Leu132Pro). The leucine residue is highly conserved and there is a moderate physicochemical difference between leucine and proline. This variant is not present in population databases (ExAC no frequency). This variant has not been reported in the literature in individuals affected with CAPN3-related conditions. ClinVar contains an entry for this variant (Variation ID: 498206). Algorithms developed to predict the effect of missense changes on protein structure and function are either unavailable or do not agree on the potential impact of this missense change (SIFT: "Deleterious"; PolyPhen-2: "Probably Damaging"; Align-GVGD: "Class C0"). In summary, the available evidence is currently insufficient to determine the role of this variant in disease. Therefore, it has been classified as a Variant of Uncertain Significance.

Revvity Omics, Revvity
Classification: Uncertain significance. Last evaluated: 2019-06-17. Review status: criteria provided, single submitter. Criteria: ACMG Guidelines, 2015. Collection method: clinical testing. Allele origin: germline.

Eurofins Ntd Llc (ga)
Classification: Uncertain significance. Last evaluated: 2016-10-26. Review status: criteria provided, single submitter. Criteria: EGL Classification Definitions 2015. Collection method: clinical testing. Allele origin: germline. Observed: 1 variant allele, 1 heterozygote.

NM_000070.3(CAPN3):c.395T>C (p.Leu132Pro)

Genes: CAPN3 (calpain 3; plus strand), LOC126862115 (BRD4-independent group 4 enhancer GRCh37_chr15:42677734-42678933; plus strand). Cytogenetic location: 15q15.1.
Variant type: single nucleotide variant.
Coding change: c.395T>C on transcript NM_000070.3 (MANE Select); coding-DNA position 395, T replaced by C.
Protein change: p.Leu132Pro; replaces leucine 132 with proline.
Molecular consequence: missense variant.
Genome position (GRCh38, 1-based): chr15:42,386,182, T>C. VCF-style: chr15-42386182-T-C. GRCh37 (hg19) VCF-style: chr15-42678380-T-C.
Other names: c.395T>C (NM_000070.2); c.395T>C, p.Leu132Pro (NM_024344.2, NM_173087.2); short protein forms L132P.
Identifiers: ClinVar variation 498206 (VCV000498206.11), dbSNP rs1555420309, ClinGen allele CA391997502.